The following is an entry in ClinVar:

ClinVar aggregate classification (germline): Uncertain significance (1 of 4 stars; one submission).

Conditions:
Inborn genetic diseases. Identifiers: MedGen C0950123, MeSH D030342.

Submission:

Ambry Genetics
Classification: Uncertain significance for Inborn genetic diseases. Last evaluated: 2024-08-12. Review status: criteria provided, single submitter. Criteria: Ambry Variant Classification Scheme 2023. Collection method: clinical testing. Allele origin: germline.
Comment: The p.Q982R variant (also known as c.2945A>G), located in coding exon 22 of the BUB1B gene, results from an A to G substitution at nucleotide position 2945. The glutamine at codon 982 is replaced by arginine, an amino acid with highly similar properties. This amino acid position is conserved. In addition, this alteration is predicted to be tolerated by in silico analysis. Based on the available evidence, the clinical significance of this variant remains unclear.

NM_001211.6(BUB1B):c.2945A>G (p.Gln982Arg)

Genes: BUB1B (BUB1 mitotic checkpoint serine/threonine kinase B; plus strand), BUB1B-PAK6 (BUB1B-PAK6 readthrough; plus strand). Cytogenetic location: 15q15.1.
Variant type: single nucleotide variant.
Coding change: c.2945A>G on transcript NM_001211.6 (MANE Select); coding-DNA position 2945, A replaced by G.
Protein change: p.Gln982Arg; replaces glutamine 982 with arginine.
Molecular consequence: missense variant. On other transcripts: intron variant (2).
Genome position (GRCh38, 1-based): chr15:40,218,550, A>G. VCF-style: chr15-40218550-A-G. GRCh37 (hg19) VCF-style: chr15-40510751-A-G.
Other names: c.-201+883A>G (NM_001128628.3); c.-118+883A>G (NM_001128629.3); short protein forms Q982R.
Identifiers: ClinVar variation 3483169 (VCV003483169.1).